The following is an entry in ClinVar:

NM_000051.4(ATM):c.5389C>A (p.Pro1797Thr)

Gene: ATM (ATM serine/threonine kinase; plus strand). Cytogenetic location: 11q22.3.
Variant type: single nucleotide variant.
Coding change: c.5389C>A on transcript NM_000051.4 (MANE Select); coding-DNA position 5389, C replaced by A.
Protein change: p.Pro1797Thr; replaces proline 1797 with threonine.
Molecular consequence: missense variant.
Genome position (GRCh38, 1-based): chr11:108,302,922, C>A. VCF-style: chr11-108302922-C-A. GRCh37 (hg19) VCF-style: chr11-108173649-C-A.
Other names: c.5389C>A, p.Pro1797Thr (NM_001351834.2); short protein forms P1797T.
Identifiers: ClinVar variation 2863808 (VCV002863808.4), dbSNP rs748358106, ClinGen allele CA382543604.

ClinVar aggregate classification (germline): Uncertain significance. Review status: criteria provided, multiple submitters, no conflicts (2 of 4 stars). 2 submissions from 2 submitters: Uncertain significance (2). Last evaluated 2026-01-23.

Conditions:
Ataxia-telangiectasia syndrome (AT). Also called: LOUIS-BAR SYNDROME; Cerebello-oculocutaneous telangiectasia; Immunodeficiency with ataxia telangiectasia; Ataxia-telangiectasia, complementation group D; AT, COMPLEMENTATION GROUP C; ATAXIA-TELANGIECTASIA, COMPLEMENTATION GROUP A. Identifiers: Orphanet 100, MedGen C0004135, MONDO:0008840, OMIM 208900.
Hereditary cancer-predisposing syndrome. Also called: Tumor predisposition; Neoplastic Syndromes, Hereditary; Hereditary Cancer Syndrome; Hereditary neoplastic syndrome. Identifiers: Orphanet 140162, MedGen C0027672, MeSH D009386, MONDO:0015356.

gnomAD v4.1: 1 of 1,613,358 alleles (0.000062%); highest among the groups gnomAD compares: Non-Finnish European, 0.000085%; no homozygotes.

Submissions (2):

Ambry Genetics
Classification: Uncertain significance for Hereditary cancer-predisposing syndrome. Last evaluated: 2026-01-23. Review status: criteria provided, single submitter. Criteria: Ambry Variant Classification Scheme 2023. Collection method: clinical testing. Allele origin: germline.
Comment: The p.P1797T variant (also known as c.5389C>A), located in coding exon 35 of the ATM gene, results from a C to A substitution at nucleotide position 5389. The proline at codon 1797 is replaced by threonine, an amino acid with highly similar properties. This amino acid position is conserved. In addition, the in silico prediction for this alteration is inconclusive. Based on the available evidence, the clinical significance of this variant remains unclear.

Labcorp Genetics (formerly Invitae), Labcorp
Classification: Uncertain significance for Ataxia-telangiectasia syndrome. Last evaluated: 2023-05-13. Review status: criteria provided, single submitter. Criteria: Invitae Variant Classification Sherloc (09022015). Collection method: clinical testing. Allele origin: germline.
Comment: This sequence change replaces proline, which is neutral and non-polar, with threonine, which is neutral and polar, at codon 1797 of the ATM protein (p.Pro1797Thr). This variant is not present in population databases (gnomAD no frequency). In summary, the available evidence is currently insufficient to determine the role of this variant in disease. Therefore, it has been classified as a Variant of Uncertain Significance. This variant has not been reported in the literature in individuals affected with ATM-related conditions. An algorithm developed to predict the effect of missense changes on protein structure and function (PolyPhen-2) suggests that this variant is likely to be disruptive.